The following is an entry in ClinVar:

NM_014244.5(ADAMTS2):c.253C>G (p.Arg85Gly)

Gene: ADAMTS2 (ADAM metallopeptidase with thrombospondin type 1 motif 2; minus strand). Cytogenetic location: 5q35.3.
Variant type: single nucleotide variant.
Coding change: c.253C>G on transcript NM_014244.5 (MANE Select); coding-DNA position 253, C replaced by G.
Protein change: p.Arg85Gly; replaces arginine 85 with glycine.
Molecular consequence: missense variant.
Genome position (GRCh38, 1-based): chr5:179,344,048, G>C on the plus strand (C>G on the coding strand, the complement: ADAMTS2 is on the minus strand). VCF-style: chr5-179344048-G-C. GRCh37 (hg19) VCF-style: chr5-178771049-G-C.
Other names: c.253C>G, p.Arg85Gly (NM_021599.4); short protein forms R85G.
Identifiers: ClinVar variation 3657241 (VCV003657241.2).

ClinVar aggregate classification (germline): Uncertain significance (1 of 4 stars; one submission).

Conditions:
Ehlers-Danlos syndrome, dermatosparaxis type. Also called: EDS VIIC; Dermatosparaxis; Ehlers-Danlos syndrome, type VII, autosomal recessive. Identifiers: Orphanet 1901, MedGen C2700425, MONDO:0009161, OMIM 225410.

Submission:

Labcorp Genetics (formerly Invitae), Labcorp
Classification: Uncertain significance for Ehlers-Danlos syndrome, dermatosparaxis type. Last evaluated: 2024-06-26. Review status: criteria provided, single submitter. Criteria: Invitae Variant Classification Sherloc (09022015). Collection method: clinical testing. Allele origin: germline.
Comment: This sequence change replaces arginine, which is basic and polar, with glycine, which is neutral and non-polar, at codon 85 of the ADAMTS2 protein (p.Arg85Gly). This variant is not present in population databases (gnomAD no frequency). This variant has not been reported in the literature in individuals affected with ADAMTS2-related conditions. An algorithm developed to predict the effect of missense changes on protein structure and function (PolyPhen-2) suggests that this variant is likely to be disruptive. In summary, the available evidence is currently insufficient to determine the role of this variant in disease. Therefore, it has been classified as a Variant of Uncertain Significance.